The following is an entry in ClinVar:

ClinVar aggregate classification (germline): Pathogenic/Likely pathogenic. Review status: criteria provided, multiple submitters, no conflicts (2 of 4 stars). 2 submissions from 2 submitters: Pathogenic (1); Likely pathogenic (1). Last evaluated 2025-03-31.

Conditions:
Cardiomyopathy (CMYO). Also called: Cardiomyopathies. Identifiers: Orphanet 167848, MedGen C0878544, MONDO:0004994, HP:0001638. Inheritance: Various modes of inheritance.

Submissions (2):

Clinical Genetics Laboratory, Skane University Hospital Lund
Classification: Likely pathogenic for Cardiomyopathy. Last evaluated: 2025-03-31. Review status: criteria provided, single submitter. Criteria: ACMG Guidelines, 2015. Collection method: clinical testing. Allele origin: germline. Affected: yes.
Comment: ACMG criteria used: PVS1, PM2

Color Diagnostics, LLC DBA Color Health
Classification: Pathogenic for Cardiomyopathy. Last evaluated: 2019-09-30. Review status: criteria provided, single submitter. Criteria: ACMG Guidelines, 2015. Collection method: clinical testing. Allele origin: germline.
Comment: This variant inserts 1 nucleotide in exon 2 of the MYBPC3 gene, creating a frameshift and premature translation stop signal. This variant is expected to result in an absent or non-functional protein product. Splice site prediction tools suggest that this variant may not impact RNA splicing. To our knowledge, functional studies have not been performed for this variant. This variant has not been reported in individuals affected with cardiovascular disorders in the literature. This variant has not been identified in the general population by the Genome Aggregation Database (gnomAD). Loss of MYBPC3 function is a known mechanism of disease. Based on the available evidence, this variant is classified as Pathogenic.

NM_000256.3(MYBPC3):c.223dup (p.Asp75fs)

Gene: MYBPC3 (myosin binding protein C3; minus strand). Cytogenetic location: 11p11.2.
Variant type: Duplication.
Coding change: c.223dup on transcript NM_000256.3 (MANE Select); coding-DNA position 223, one base duplicated (G; older notation c.223dupG).
Protein change: p.Asp75fs; shifts the reading frame from aspartic acid 75.
Molecular consequence: frameshift variant.
Genome position (GRCh38, 1-based): chr11:47,351,308, C duplicated on the plus strand (G on the coding strand, the reverse complement: MYBPC3 is on the minus strand). VCF-style (leftmost placement, unchanged base first): chr11-47351307-T-TC. GRCh37 (hg19) VCF-style: chr11-47372858-T-TC.
Other names: short protein forms D75fs.
Identifiers: ClinVar variation 925089 (VCV000925089.4), dbSNP rs2095900669, ClinGen allele CA1139661949.
Genomic context (GRCh38, chr11:47,351,307, plus strand): 5'-ATGACCTTGAGGTCGAACTTGACCTTGGAGGAGCCAGCAATGACTGCGTAAGATCCCTGG[T>TC]CGGCAGGGCCCACTTCCCGCACTGTCAGCGTATGCCGTGTGCCCTCTGTGGCCAGGCCGT-3'